The following is an entry in ClinVar:

ClinVar aggregate classification (germline): Uncertain significance (1 of 4 stars; one submission).

Submission:

GeneDx
Classification: Uncertain significance. Last evaluated: 2025-04-01. Review status: criteria provided, single submitter. Criteria: GeneDx Variant Classification Process June 2021. Collection method: clinical testing. Allele origin: germline. Affected: yes.
Comment: Not observed at significant frequency in large population cohorts (gnomAD); In silico analysis supports that this missense variant has a deleterious effect on protein structure/function; Has not been previously published as pathogenic or benign to our knowledge

NM_020117.11(LARS1):c.605G>A (p.Arg202His)

Gene: LARS1 (leucyl-tRNA synthetase 1; minus strand). Cytogenetic location: 5q32.
Variant type: single nucleotide variant.
Coding change: c.605G>A on transcript NM_020117.11 (MANE Select); coding-DNA position 605, G replaced by A.
Protein change: p.Arg202His; replaces arginine 202 with histidine.
Molecular consequence: missense variant.
Genome position (GRCh38, 1-based): chr5:146,160,476, C>T on the plus strand (G>A on the coding strand, the complement: LARS1 is on the minus strand). VCF-style: chr5-146160476-C-T. GRCh37 (hg19) VCF-style: chr5-145540039-C-T.
Other names: c.467G>A, p.Arg156His (NM_001317964.2); c.443G>A, p.Arg148His (NM_001317965.2); c.524G>A, p.Arg175His (NM_016460.4); short protein forms R148H, R156H, R175H, R202H.
Identifiers: ClinVar variation 4278887 (VCV004278887.1).